The following is an entry in ClinVar:

ClinVar aggregate classification (germline): Uncertain significance (1 of 4 stars; one submission).

Allele frequency attached by ClinVar (database versions not stated): gnomAD exomes 0.00001.

Submission:

GeneDx
Classification: Uncertain significance. Last evaluated: 2022-07-19. Review status: criteria provided, single submitter. Criteria: GeneDx Variant Classification Process June 2021. Collection method: clinical testing. Allele origin: germline. Affected: yes.
Comment: Not observed at significant frequency in large population cohorts (gnomAD); In silico analysis supports that this missense variant has a deleterious effect on protein structure/function; Has not been previously published as pathogenic or benign to our knowledge

NM_002739.5(PRKCG):c.566A>G (p.Asn189Ser)

Gene: PRKCG (protein kinase C gamma; plus strand). Cytogenetic location: 19q13.42.
Variant type: single nucleotide variant.
Coding change: c.566A>G on transcript NM_002739.5 (MANE Select); coding-DNA position 566, A replaced by G.
Protein change: p.Asn189Ser; replaces asparagine 189 with serine.
Molecular consequence: missense variant.
Genome position (GRCh38, 1-based): chr19:53,891,710, A>G. VCF-style: chr19-53891710-A-G. GRCh37 (hg19) VCF-style: chr19-54394964-A-G.
Other names: c.566A>G, p.Asn189Ser (NM_001316329.2); short protein forms N189S.
Identifiers: ClinVar variation 2136017 (VCV002136017.1), dbSNP rs1420610335, ClinGen allele CA407414948.